The following is an entry in ClinVar:

ClinVar aggregate classification (germline): Uncertain significance (1 of 4 stars; one submission).

Submission:

Labcorp Genetics (formerly Invitae), Labcorp
Classification: Uncertain significance. Last evaluated: 2024-03-31. Review status: criteria provided, single submitter. Criteria: Invitae Variant Classification Sherloc (09022015). Collection method: clinical testing. Allele origin: germline.
Comment: This sequence change replaces arginine, which is basic and polar, with serine, which is neutral and polar, at codon 207 of the PPM1F protein (p.Arg207Ser). This variant is present in population databases (no rsID available, gnomAD 0.003%). This variant has not been reported in the literature in individuals affected with PPM1F-related conditions. Algorithms developed to predict the effect of missense changes on protein structure and function output the following: SIFT: "Not Available"; PolyPhen-2: "Benign"; Align-GVGD: "Not Available". The serine amino acid residue is found in multiple mammalian species, which suggests that this missense change does not adversely affect protein function. In summary, the available evidence is currently insufficient to determine the role of this variant in disease. Therefore, it has been classified as a Variant of Uncertain Significance.

NM_014634.4(PPM1F):c.621G>T (p.Arg207Ser)

Gene: PPM1F (protein phosphatase, Mg2+/Mn2+ dependent 1F; minus strand). Cytogenetic location: 22q11.22.
Variant type: single nucleotide variant.
Coding change: c.621G>T on transcript NM_014634.4 (MANE Select); coding-DNA position 621, G replaced by T.
Protein change: p.Arg207Ser; replaces arginine 207 with serine.
Molecular consequence: missense variant.
Genome position (GRCh38, 1-based): chr22:21,933,517, C>A on the plus strand (G>T on the coding strand, the complement: PPM1F is on the minus strand). VCF-style: chr22-21933517-C-A. GRCh37 (hg19) VCF-style: chr22-22287889-C-A.
Other names: c.117G>T, p.Arg39Ser (NM_001410836.1); short protein forms R207S, R39S.
Identifiers: ClinVar variation 3623847 (VCV003623847.2).